The following is an entry in ClinVar:

ClinVar aggregate classification (germline): Uncertain significance (1 of 4 stars; one submission).

Conditions:
Autosomal recessive severe congenital neutropenia due to CSF3R deficiency. Also called: Neutropenia, severe congenital, 7, autosomal recessive. Identifiers: Orphanet 420702, MedGen C4310764, MONDO:0014865, OMIM 617014.

Allele frequency attached by ClinVar (database versions not stated): gnomAD exomes below 0.00001.
gnomAD v4.1: 6 of 1,614,076 alleles (0.00037%); highest among the groups gnomAD compares: Non-Finnish European, 0.00051%; no homozygotes.

Submission:

Labcorp Genetics (formerly Invitae), Labcorp
Classification: Uncertain significance for Autosomal recessive severe congenital neutropenia due to CSF3R deficiency. Last evaluated: 2023-08-13. Review status: criteria provided, single submitter. Criteria: Invitae Variant Classification Sherloc (09022015). Collection method: clinical testing. Allele origin: germline.
Comment: This missense change has been observed in individual(s) with chronic lymphoproliferative disorder (PMID: 33108454). In summary, the available evidence is currently insufficient to determine the role of this variant in disease. Therefore, it has been classified as a Variant of Uncertain Significance. Advanced modeling of protein sequence and biophysical properties (such as structural, functional, and spatial information, amino acid conservation, physicochemical variation, residue mobility, and thermodynamic stability) performed at Invitae indicates that this missense variant is not expected to disrupt CSF3R protein function. This variant is present in population databases (no rsID available, gnomAD 0.0009%). This sequence change replaces threonine, which is neutral and polar, with alanine, which is neutral and non-polar, at codon 420 of the CSF3R protein (p.Thr420Ala).

Literature cited by the submitters: PubMed 33108454.

NM_000760.4(CSF3R):c.1258A>G (p.Thr420Ala)

Gene: CSF3R (colony stimulating factor 3 receptor; minus strand). Cytogenetic location: 1p34.3.
Variant type: single nucleotide variant.
Coding change: c.1258A>G on transcript NM_000760.4 (MANE Select); coding-DNA position 1258, A replaced by G.
Protein change: p.Thr420Ala; replaces threonine 420 with alanine.
Molecular consequence: missense variant.
Genome position (GRCh38, 1-based): chr1:36,471,460, T>C on the plus strand (A>G on the coding strand, the complement: CSF3R is on the minus strand). VCF-style: chr1-36471460-T-C. GRCh37 (hg19) VCF-style: chr1-36937061-T-C.
Other names: c.1258A>G, p.Thr420Ala (NM_156039.3, NM_172313.3); short protein forms T420A.
Identifiers: ClinVar variation 2779959 (VCV002779959.3), dbSNP rs1479865089, ClinGen allele CA339421619.